The following is an entry in ClinVar:

NM_004958.4(MTOR):c.4771_4785del (p.Val1591_Met1595del)

Genes: MTOR (mechanistic target of rapamycin kinase; minus strand), MTOR-AS1 (MTOR antisense RNA 1; plus strand). Cytogenetic location: 1p36.22.
Variant type: Deletion.
Coding change: c.4771_4785del on transcript NM_004958.4 (MANE Select); coding-DNA positions 4771 to 4785, 15 bases deleted (GTTTCTTGCCACATG).
Protein change: p.Val1591_Met1595del.
Molecular consequence: inframe deletion. On other transcripts: non-coding transcript variant (1).
Genome position (GRCh38, 1-based): chr1:11,144,735-11,144,749, CATGTGGCAAGAAAC deleted on the plus strand (GTTTCTTGCCACATG on the coding strand, the reverse complement: MTOR is on the minus strand); deleting any 15 consecutive bases within chr1:11,144,735-11,144,753 gives the same sequence; the c. name uses the placement nearest the transcript's 3' end. VCF-style (leftmost placement, unchanged base first): chr1-11144734-GCATGTGGCAAGAAAC-G. GRCh37 (hg19) VCF-style: chr1-11204791-GCATGTGGCAAGAAAC-G.
Other names: c.4771_4785del, p.Val1591_Met1595del (NM_001386500.1); c.3523_3537del, p.Val1175_Met1179del (NM_001386501.1).
Identifiers: ClinVar variation 2815540 (VCV002815540.3), dbSNP rs2522480475, ClinGen allele CA2739272273.

ClinVar aggregate classification (germline): Uncertain significance (1 of 4 stars; one submission).

Submission:

Labcorp Genetics (formerly Invitae), Labcorp
Classification: Uncertain significance. Last evaluated: 2023-03-15. Review status: criteria provided, single submitter. Criteria: Invitae Variant Classification Sherloc (09022015). Collection method: clinical testing. Allele origin: germline.
Comment: In summary, the available evidence is currently insufficient to determine the role of this variant in disease. Therefore, it has been classified as a Variant of Uncertain Significance. Experimental studies and prediction algorithms are not available or were not evaluated, and the functional significance of this variant is currently unknown. This variant has not been reported in the literature in individuals affected with MTOR-related conditions. This variant is not present in population databases (gnomAD no frequency). This variant, c.4771_4785del, results in the deletion of 5 amino acid(s) of the MTOR protein (p.Val1591_Met1595del), but otherwise preserves the integrity of the reading frame.